The following is an entry in ClinVar:

NM_178452.6(DNAAF1):c.1568T>A (p.Val523Asp)

Gene: DNAAF1 (dynein axonemal assembly factor 1; plus strand). Cytogenetic location: 16q24.1.
Variant type: single nucleotide variant.
Coding change: c.1568T>A on transcript NM_178452.6 (MANE Select); coding-DNA position 1568, T replaced by A.
Protein change: p.Val523Asp; replaces valine 523 with aspartic acid.
Molecular consequence: missense variant.
Genome position (GRCh38, 1-based): chr16:84,172,299, T>A. VCF-style: chr16-84172299-T-A. GRCh37 (hg19) VCF-style: chr16-84205905-T-A.
Other names: c.860T>A, p.Val287Asp (NM_001318756.1); short protein forms V523D, V287D.
Identifiers: ClinVar variation 2115643 (VCV002115643.4), dbSNP rs1481696884, ClinGen allele CA396949034.

ClinVar aggregate classification (germline): Uncertain significance (1 of 4 stars; one submission).

Conditions:
Primary ciliary dyskinesia. Also called: Ciliary dyskinesia. Identifiers: Orphanet 244, MedGen C0008780, MONDO:0016575, HP:0012265.

Submission:

Labcorp Genetics (formerly Invitae), Labcorp
Classification: Uncertain significance for Primary ciliary dyskinesia. Last evaluated: 2022-10-17. Review status: criteria provided, single submitter. Criteria: Invitae Variant Classification Sherloc (09022015). Collection method: clinical testing. Allele origin: germline.
Comment: Algorithms developed to predict the effect of sequence changes on RNA splicing suggest that this variant may disrupt the consensus splice site. In summary, the available evidence is currently insufficient to determine the role of this variant in disease. Therefore, it has been classified as a Variant of Uncertain Significance. Algorithms developed to predict the effect of missense changes on protein structure and function output the following: SIFT: "Tolerated"; PolyPhen-2: "Benign"; Align-GVGD: "Class C0". The aspartic acid amino acid residue is found in multiple mammalian species, which suggests that this missense change does not adversely affect protein function. This variant has not been reported in the literature in individuals affected with DNAAF1-related conditions. This variant is not present in population databases (gnomAD no frequency). This sequence change replaces valine, which is neutral and non-polar, with aspartic acid, which is acidic and polar, at codon 523 of the DNAAF1 protein (p.Val523Asp).